The following is an entry in ClinVar:

ClinVar aggregate classification (germline): Uncertain significance (0 of 4 stars; one submission).

Conditions:
SLC51A-related disorder. Also called: SLC51A-related condition.

Allele frequency attached by ClinVar (database versions not stated): TOPMed 0.00001; gnomAD 0.00003; ESP Exome Variant Server 0.00008; ExAC 0.00021.
gnomAD v4.1: 122 of 1,613,994 alleles (0.0076%); highest among the groups gnomAD compares: South Asian, 0.12%; 3 homozygotes.

Submission:

PreventionGenetics, part of Exact Sciences
Classification: Uncertain significance for SLC51A-related condition. Last evaluated: 2024-07-19. Review status: no assertion criteria provided. Collection method: clinical testing. Allele origin: germline.
Comment: The SLC51A c.562G>A variant is predicted to result in the amino acid substitution p.Ala188Thr. To our knowledge, this variant has not been reported in the literature. This variant is reported in 0.12% of alleles in individuals of South Asian descent in gnomAD. At this time, the clinical significance of this variant is uncertain due to the absence of conclusive functional and genetic evidence.

NM_152672.6(SLC51A):c.562G>A (p.Ala188Thr)

Gene: SLC51A (solute carrier family 51 member A; plus strand). Cytogenetic location: 3q29.
Variant type: single nucleotide variant.
Coding change: c.562G>A on transcript NM_152672.6 (MANE Select); coding-DNA position 562, G replaced by A.
Protein change: p.Ala188Thr; replaces alanine 188 with threonine.
Molecular consequence: missense variant.
Genome position (GRCh38, 1-based): chr3:196,228,849, G>A. VCF-style: chr3-196228849-G-A. GRCh37 (hg19) VCF-style: chr3-195955720-G-A.
Other names: short protein forms A188T.
Identifiers: ClinVar variation 2634583 (VCV002634583.2), dbSNP rs139191241, ClinGen allele CA2779136.